The following is an entry in ClinVar:

ClinVar aggregate classification (germline): Uncertain significance (1 of 4 stars; one submission).

Submission:

GeneDx
Classification: Uncertain significance. Last evaluated: 2026-03-30. Review status: criteria provided, single submitter. Criteria: GeneDx Variant Classification Process June 2021. Collection method: clinical testing. Allele origin: germline.
Comment: Not observed at significant frequency in large population cohorts (gnomAD); In silico analysis supports that this missense variant has a deleterious effect on protein structure/function; Has not been previously published as pathogenic or benign to our knowledge

NM_001349798.2(FBXW7):c.1615G>A (p.Gly539Arg)

Gene: FBXW7 (F-box and WD repeat domain containing 7; minus strand). Cytogenetic location: 4q31.3.
Variant type: single nucleotide variant.
Coding change: c.1615G>A on transcript NM_001349798.2 (MANE Select); coding-DNA position 1615, G replaced by A.
Protein change: p.Gly539Arg; replaces glycine 539 with arginine.
Molecular consequence: missense variant.
Genome position (GRCh38, 1-based): chr4:152,326,035, C>T on the plus strand (G>A on the coding strand, the complement: FBXW7 is on the minus strand). VCF-style: chr4-152326035-C-T. GRCh37 (hg19) VCF-style: chr4-153247187-C-T.
Other names: c.1375G>A, p.Gly459Arg (NM_018315.5); c.1615G>A, p.Gly539Arg (NM_033632.3); c.1261G>A, p.Gly421Arg (NM_001013415.2); short protein forms G421R, G459R, G539R.
Identifiers: ClinVar variation 5017425 (VCV005017425.1).